The following is an entry in ClinVar:

NM_022773.4(LMF1):c.1406C>T (p.Ala469Val)

Gene: LMF1 (lipase maturation factor 1; minus strand). Cytogenetic location: 16p13.3.
Variant type: single nucleotide variant.
Coding change: c.1406C>T on transcript NM_022773.4 (MANE Select); coding-DNA position 1406, C replaced by T.
Protein change: p.Ala469Val; replaces alanine 469 with valine.
Molecular consequence: missense variant. On other transcripts: non-coding transcript variant (1), intron variant (1).
Genome position (GRCh38, 1-based): chr16:869,893, G>A on the plus strand (C>T on the coding strand, the complement: LMF1 is on the minus strand). VCF-style: chr16-869893-G-A. GRCh37 (hg19) VCF-style: chr16-919893-G-A.
Other names: c.1406C>T (NM_022773.2); c.755C>T, p.Ala252Val (NM_001352017.2, NM_001352021.2); c.1007C>T, p.Ala336Val (NM_001352018.2); c.1079C>T, p.Ala360Val (NM_001352019.2); c.1336+70C>T (NM_001352020.1); short protein forms A360V, A469V, A336V, A252V.
Identifiers: ClinVar variation 1445693 (VCV001445693.9), dbSNP rs574656841, ClinGen allele CA7797042.
Genomic context (GRCh38, chr16:869,893, plus strand): 5'-GAGGGTGGGGTACAGGCAGGTCCATGCGCCCGCCAGGGACCGTCCCCCACCTGGAAGGCC[G>A]CGAACCACATCAGCCAGTCCAGGCGGTAGTGGTACGGGGAGATGAGGCAGGGCCGTCTGC-3'
Protein context (NP_073610.2, residues 459-479): HYRLDWLMWF[Ala469Val]AFQTYEHNDW

ClinVar aggregate classification (germline): Uncertain significance. Review status: criteria provided, multiple submitters, no conflicts (2 of 4 stars). 3 submissions from 3 submitters: Uncertain significance (3). Last evaluated 2026-07-29.

Conditions:
Cardiovascular phenotype. Identifiers: MedGen CN230736.
Lipase deficiency, combined. Also called: LIPOPROTEIN LIPASE DEFICIENCY WITH HEPATIC TRIGLYCERIDE LIPASE DEFICIENCY; LPL AND HL DEFICIENCY; LPL AND HTGL DEFICIENCY. Identifiers: Orphanet 535453, MedGen C1855498, MONDO:0009527, OMIM 246650.

Allele frequency attached by ClinVar (database versions not stated): ExAC 0.00010; 1000 Genomes Project 0.00020; gnomAD 0.00002; gnomAD exomes 0.00002 and 0.00009; 1000 Genomes Project 30x 0.00016; TOPMed 0.00005.
gnomAD v4.1: 36 of 1,611,906 alleles (0.0022%); highest among the groups gnomAD compares: East Asian, 0.045%; no homozygotes.

Submissions (3):

Ambry Genetics
Classification: Uncertain significance for Cardiovascular phenotype. Last evaluated: 2026-07-29. Review status: criteria provided, single submitter. Criteria: Ambry Variant Classification Scheme 2023. Collection method: clinical testing. Allele origin: germline.
Comment: The p.A469V variant (also known as c.1406C>T), located in coding exon 9 of the LMF1 gene, results from a C to T substitution at nucleotide position 1406. The alanine at codon 469 is replaced by valine, an amino acid with similar properties. This amino acid position is highly conserved in available vertebrate species. In addition, the in silico prediction for this alteration is inconclusive. Based on the available evidence, the clinical significance of this variant remains unclear.

Labcorp Genetics (formerly Invitae), Labcorp
Classification: Uncertain significance. Last evaluated: 2022-06-05. Review status: criteria provided, single submitter. Criteria: Invitae Variant Classification Sherloc (09022015). Collection method: clinical testing. Allele origin: germline.
Comment: This sequence change replaces alanine, which is neutral and non-polar, with valine, which is neutral and non-polar, at codon 469 of the LMF1 protein (p.Ala469Val). This variant is present in population databases (rs574656841, gnomAD 0.1%). This variant has not been reported in the literature in individuals affected with LMF1-related conditions. ClinVar contains an entry for this variant (Variation ID: 1445693). Algorithms developed to predict the effect of missense changes on protein structure and function (SIFT, PolyPhen-2, Align-GVGD) all suggest that this variant is likely to be disruptive. Algorithms developed to predict the effect of sequence changes on RNA splicing suggest that this variant may create or strengthen a splice site. In summary, the available evidence is currently insufficient to determine the role of this variant in disease. Therefore, it has been classified as a Variant of Uncertain Significance.

New York Genome Center
Classification: Uncertain significance for Lipase deficiency, combined. Last evaluated: 2021-08-06. Review status: criteria provided, single submitter. Criteria: NYGC Assertion Criteria 2020. Collection method: clinical testing. Allele origin: germline. Observed: 1 heterozygote.